The following is an entry in ClinVar:

ClinVar aggregate classification (germline): Uncertain significance (1 of 4 stars; one submission).

Conditions:
COG5-congenital disorder of glycosylation. Also called: CDG IIi; CONGENITAL DISORDER OF GLYCOSYLATION, TYPE IIi; COG5-CDG. Identifiers: Orphanet 263487, MedGen C3150876, MONDO:0013325, OMIM 613612.

Allele frequency attached by ClinVar (database versions not stated): gnomAD exomes below 0.00001.
gnomAD v4.1: 1 of 1,613,882 alleles (0.000062%); highest among the groups gnomAD compares: Non-Finnish European, 0.000085%; no homozygotes.

Submission:

Labcorp Genetics (formerly Invitae), Labcorp
Classification: Uncertain significance for COG5-congenital disorder of glycosylation. Last evaluated: 2022-07-21. Review status: criteria provided, single submitter. Criteria: Invitae Variant Classification Sherloc (09022015). Collection method: clinical testing. Allele origin: germline.
Comment: This variant has not been reported in the literature in individuals affected with COG5-related conditions. This variant is not present in population databases (gnomAD no frequency). This sequence change affects codon 62 of the COG5 mRNA. It is a 'silent' change, meaning that it does not change the encoded amino acid sequence of the COG5 protein. It affects a nucleotide within the consensus splice site. Algorithms developed to predict the effect of sequence changes on RNA splicing suggest that this variant is not likely to affect RNA splicing. In summary, the available evidence is currently insufficient to determine the role of this variant in disease. Therefore, it has been classified as a Variant of Uncertain Significance.

NM_006348.5(COG5):c.93C>T (p.Asp31=)

Gene: COG5 (component of oligomeric golgi complex 5; minus strand). Cytogenetic location: 7q22.3.
Variant type: single nucleotide variant.
Coding change: c.93C>T on transcript NM_006348.5 (MANE Select); coding-DNA position 93, C replaced by T.
Protein change: p.Asp31=; no amino-acid change (aspartic acid 31 retained).
Molecular consequence: synonymous variant.
Genome position (GRCh38, 1-based): chr7:107,563,804, G>A on the plus strand (C>T on the coding strand, the complement: COG5 is on the minus strand). VCF-style: chr7-107563804-G-A. GRCh37 (hg19) VCF-style: chr7-107204249-G-A.
Other names: c.93C>T, p.Asp31= (NM_001161520.2, NM_001379511.1, NM_001379512.1 and 5 more transcripts).
Identifiers: ClinVar variation 2159197 (VCV002159197.2), dbSNP rs2535726681, ClinGen allele CA457081362.